The following is an entry in ClinVar:

ClinVar aggregate classification (germline): Uncertain significance (1 of 4 stars; one submission).

Conditions:
Microcephaly, normal intelligence and immunodeficiency (NBS). Also called: Immunodeficiency, microcephaly with normal intelligence; Microcephaly with normal intelligence immunodeficiency and lymphoreticular malignancies; Nonsyndromal microcephaly autosomal recessive with normal intelligence; Seemanova syndrome 2; Ataxia telangiectasia variant V1; SEEMANOVA SYNDROME II. Identifiers: Orphanet 647, MedGen C0398791, MONDO:0009623, OMIM 251260.

Submission:

Labcorp Genetics (formerly Invitae), Labcorp
Classification: Uncertain significance for Microcephaly, normal intelligence and immunodeficiency. Last evaluated: 2021-10-16. Review status: criteria provided, single submitter. Criteria: Invitae Variant Classification Sherloc (09022015). Collection method: clinical testing. Allele origin: germline.
Comment: In summary, the available evidence is currently insufficient to determine the role of this variant in disease. Therefore, it has been classified as a Variant of Uncertain Significance. Algorithms developed to predict the effect of sequence changes on RNA splicing suggest that this variant may create or strengthen a splice site. Algorithms developed to predict the effect of missense changes on protein structure and function (SIFT, PolyPhen-2, Align-GVGD) all suggest that this variant is likely to be tolerated. This variant has not been reported in the literature in individuals affected with NBN-related conditions. This variant is not present in population databases (ExAC no frequency). This sequence change replaces lysine with glutamic acid at codon 404 of the NBN protein (p.Lys404Glu). The lysine residue is moderately conserved and there is a small physicochemical difference between lysine and glutamic acid.

NM_002485.5(NBN):c.1210A>G (p.Lys404Glu)

Gene: NBN (nibrin; minus strand). Cytogenetic location: 8q21.3.
Variant type: single nucleotide variant.
Coding change: c.1210A>G on transcript NM_002485.5 (MANE Select); coding-DNA position 1210, A replaced by G.
Protein change: p.Lys404Glu; replaces lysine 404 with glutamic acid.
Molecular consequence: missense variant.
Genome position (GRCh38, 1-based): chr8:89,955,470, T>C on the plus strand (A>G on the coding strand, the complement: NBN is on the minus strand). VCF-style: chr8-89955470-T-C. GRCh37 (hg19) VCF-style: chr8-90967698-T-C.
Other names: c.964A>G, p.Lys322Glu (NM_001024688.3); short protein forms K322E, K404E.
Identifiers: ClinVar variation 1345053 (VCV001345053.6), dbSNP rs761214266, ClinGen allele CA371656356.